The following is an entry in ClinVar:

NM_020401.4(NUP107):c.368C>G (p.Thr123Arg)

Gene: NUP107 (nucleoporin 107; plus strand). Cytogenetic location: 12q15.
Variant type: single nucleotide variant.
Coding change: c.368C>G on transcript NM_020401.4 (MANE Select); coding-DNA position 368, C replaced by G.
Protein change: p.Thr123Arg; replaces threonine 123 with arginine.
Molecular consequence: missense variant.
Genome position (GRCh38, 1-based): chr12:68,692,032, C>G. VCF-style: chr12-68692032-C-G. GRCh37 (hg19) VCF-style: chr12-69085812-C-G.
Other names: p.Thr123Arg; c.281C>G, p.Thr94Arg (NM_001330192.2); short protein forms T123R, T94R.
Identifiers: ClinVar variation 2068943 (VCV002068943.6), dbSNP rs374673038, ClinGen allele CA6677399.

ClinVar aggregate classification (germline): Uncertain significance. Review status: criteria provided, multiple submitters, no conflicts (2 of 4 stars). 3 submissions from 3 submitters: Uncertain significance (3). Last evaluated 2025-05-05.

Conditions:
Inborn genetic diseases. Identifiers: MedGen C0950123, MeSH D030342.

Allele frequency attached by ClinVar (database versions not stated): gnomAD exomes 0.00023; gnomAD 0.00007; ESP Exome Variant Server 0.00015; TOPMed 0.00006; ExAC 0.00007.
gnomAD v4.1: 348 of 1,611,962 alleles (0.022%); highest among the groups gnomAD compares: Non-Finnish European, 0.028%; no homozygotes.

Submissions (3):

Mayo Clinic Laboratories, Mayo Clinic
Classification: Uncertain significance. Last evaluated: 2025-05-05. Review status: criteria provided, single submitter. Criteria: ACMG Guidelines, 2015. Collection method: clinical testing. Allele origin: germline. Observed: 1 variant allele.
Comment: BP4_moderate, PM2_supporting

Labcorp Genetics (formerly Invitae), Labcorp
Classification: Uncertain significance. Last evaluated: 2022-04-07. Review status: criteria provided, single submitter. Criteria: Invitae Variant Classification Sherloc (09022015). Collection method: clinical testing. Allele origin: germline.
Comment: This variant has not been reported in the literature in individuals affected with NUP107-related conditions. In summary, the available evidence is currently insufficient to determine the role of this variant in disease. Therefore, it has been classified as a Variant of Uncertain Significance. Algorithms developed to predict the effect of missense changes on protein structure and function are either unavailable or do not agree on the potential impact of this missense change (SIFT: "Not Available"; PolyPhen-2: "Benign"; Align-GVGD: "Not Available"). This variant is present in population databases (rs374673038, gnomAD 0.02%). This sequence change replaces threonine, which is neutral and polar, with arginine, which is basic and polar, at codon 123 of the NUP107 protein (p.Thr123Arg).

Ambry Genetics
Classification: Uncertain significance for Inborn genetic diseases. Last evaluated: 2020-11-12. Review status: criteria provided, single submitter. Criteria: Ambry Variant Classification Scheme 2023. Collection method: clinical testing. Allele origin: germline.